The following is an entry in ClinVar:

ClinVar aggregate classification (germline): Uncertain significance (1 of 4 stars; one submission).

gnomAD v4.1: 2 of 1,613,970 alleles (0.00012%); highest among the groups gnomAD compares: South Asian, 0.0011%; no homozygotes.

Submission:

GeneDx
Classification: Uncertain significance. Last evaluated: 2025-01-15. Review status: criteria provided, single submitter. Criteria: GeneDx Variant Classification Process June 2021. Collection method: clinical testing. Allele origin: germline. Affected: yes.
Comment: Not observed at significant frequency in large population cohorts (gnomAD); In silico analysis supports that this missense variant has a deleterious effect on protein structure/function; Has not been previously published as pathogenic or benign to our knowledge

NM_000384.3(APOB):c.4966G>A (p.Ala1656Thr)

Gene: APOB (apolipoprotein B; minus strand). Cytogenetic location: 2p24.1.
Variant type: single nucleotide variant.
Coding change: c.4966G>A on transcript NM_000384.3 (MANE Select); coding-DNA position 4966, G replaced by A.
Protein change: p.Ala1656Thr; replaces alanine 1656 with threonine.
Molecular consequence: missense variant.
Genome position (GRCh38, 1-based): chr2:21,011,902, C>T on the plus strand (G>A on the coding strand, the complement: APOB is on the minus strand). VCF-style: chr2-21011902-C-T. GRCh37 (hg19) VCF-style: chr2-21234774-C-T.
Other names: short protein forms A1656T.
Identifiers: ClinVar variation 4070702 (VCV004070702.1).
Genomic context (GRCh38, chr2:21,011,902, plus strand): 5'-CAAGCTCTGCATTCAGCTCATTCTCCAGCACCAGGAGACTACACTTCAAGTTGGTCGTTG[C>T]ACTGGTAGATATTCCATCTTGGCCAATCCTTAGTGTCGCCTTGTGAGCACCACTATTAAT-3'
Protein context (NP_000375.3, residues 1646-1666): RIGQDGISTS[Ala1656Thr]TTNLKCSLLV